The following is an entry in ClinVar:

NM_018297.4(NGLY1):c.731G>A (p.Trp244Ter)

Gene: NGLY1 (N-glycanase 1; minus strand). Cytogenetic location: 3p24.2.
Variant type: single nucleotide variant.
Coding change: c.731G>A on transcript NM_018297.4 (MANE Select); coding-DNA position 731, G replaced by A.
Protein change: p.Trp244Ter; replaces tryptophan 244 with a stop codon.
Molecular consequence: nonsense.
Genome position (GRCh38, 1-based): chr3:25,739,727, C>T on the plus strand (G>A on the coding strand, the complement: NGLY1 is on the minus strand). VCF-style: chr3-25739727-C-T. GRCh37 (hg19) VCF-style: chr3-25781218-C-T.
Other names: c.731G>A, p.Trp244Ter (NM_001145293.2, NM_001145295.2); c.605G>A, p.Trp202Ter (NM_001145294.2); short protein forms W202*, W244*.
Identifiers: ClinVar variation 2814480 (VCV002814480.3), dbSNP rs2470553502, ClinGen allele CA351904097.

ClinVar aggregate classification (germline): Pathogenic (1 of 4 stars; one submission).

Conditions:
Congenital disorder of deglycosylation (CDDG). Identifiers: MedGen C3808991, MONDO:0031376.

Submission:

Labcorp Genetics (formerly Invitae), Labcorp
Classification: Pathogenic for Congenital disorder of deglycosylation. Last evaluated: 2022-11-15. Review status: criteria provided, single submitter. Criteria: Invitae Variant Classification Sherloc (09022015). Collection method: clinical testing. Allele origin: germline.
Comment: For these reasons, this variant has been classified as Pathogenic. Algorithms developed to predict the effect of sequence changes on RNA splicing suggest that this variant may create or strengthen a splice site. This variant has not been reported in the literature in individuals affected with NGLY1-related conditions. This variant is not present in population databases (gnomAD no frequency). This sequence change creates a premature translational stop signal (p.Trp244*) in the NGLY1 gene. It is expected to result in an absent or disrupted protein product. Loss-of-function variants in NGLY1 are known to be pathogenic (PMID: 24651605).

Literature cited by the submitters: PubMed 24651605.